The following is an entry in ClinVar:

ClinVar aggregate classification (germline): Uncertain significance. Review status: criteria provided, multiple submitters, no conflicts (2 of 4 stars). 4 submissions from 4 submitters: Uncertain significance (4). Last evaluated 2023-04-12.

Conditions:
Myopathy, myofibrillar, 9, with early respiratory failure (MFM9). Also called: EDSTROM MYOPATHY; MYOPATHY, PROXIMAL, WITH EARLY RESPIRATORY MUSCLE INVOLVEMENT; Myopathy, distal, with early respiratory failure, autosomal dominant; Hereditary myopathy with early respiratory failure. Identifiers: Orphanet 178464, Orphanet 34521, MedGen C1863599, MONDO:0011362, OMIM 603689.
Early-onset myopathy with fatal cardiomyopathy (CMYO5). Also called: CONGENITAL MYOPATHY 5 WITH CARDIOMYOPATHY; Salih Myopathy. Identifiers: Orphanet 289377, MedGen C2673677, MONDO:0012714, OMIM 611705. Disease mechanism: loss of function.
Hypertrophic cardiomyopathy 9. Also called: Familial hypertrophic cardiomyopathy 9. Identifiers: MedGen C1861065, MONDO:0013412, OMIM 613765.
Dilated cardiomyopathy 1G (CMD1G). Identifiers: Orphanet 154, MedGen C1858763, MONDO:0011400, OMIM 604145.
Tibial muscular dystrophy (TMD). Also called: UDD MYOPATHY; Tibial muscular dystrophy, tardive; Udd Distal Myopathy – Tibial Muscular Dystrophy. Identifiers: Orphanet 609, MedGen C1838244, MONDO:0010870, OMIM 600334.
Autosomal recessive limb-girdle muscular dystrophy type 2J (LGMDR10). Also called: MUSCULAR DYSTROPHY, LIMB-GIRDLE, AUTOSOMAL RECESSIVE 10; Limb-girdle muscular dystrophy, type 2J. Identifiers: Orphanet 140922, MedGen C1837342, MONDO:0012127, OMIM 608807.

Allele frequency attached by ClinVar (database versions not stated): gnomAD 0.00001; gnomAD exomes 0.00001; TOPMed 0.00002.
gnomAD v4.1: 21 of 1,612,648 alleles (0.0013%); highest among the groups gnomAD compares: Non-Finnish European, 0.0018%; no homozygotes.

Submissions (4):

Mayo Clinic Laboratories, Mayo Clinic
Classification: Uncertain significance. Last evaluated: 2023-04-12. Review status: criteria provided, single submitter. Criteria: ACMG Guidelines, 2015. Collection method: clinical testing. Allele origin: germline. Observed: 1 variant allele.
Comment: PM2_supporting

Fulgent Genetics
Classification: Uncertain significance for Tibial muscular dystrophy; Myopathy, myofibrillar, 9, with early respiratory failure; Dilated cardiomyopathy 1G; Autosomal recessive limb-girdle muscular dystrophy type 2J; Early-onset myopathy with fatal cardiomyopathy; Hypertrophic cardiomyopathy 9. Last evaluated: 2021-07-28. Review status: criteria provided, single submitter. Criteria: ACMG Guidelines, 2015. Collection method: clinical testing. Allele origin: unknown.

Revvity Omics, Revvity
Classification: Uncertain significance. Last evaluated: 2019-07-22. Review status: criteria provided, single submitter. Criteria: ACMG Guidelines, 2015. Collection method: clinical testing. Allele origin: germline.

GeneDx
Classification: Uncertain significance. Last evaluated: 2013-04-08. Review status: criteria provided, single submitter. Criteria: GeneDx Variant Classification (06012015). Collection method: clinical testing. Allele origin: germline. Affected: yes.
Comment: Missense variants in the TTN gene are considered 'unclassified' if they are not previously reported in the literature and do not have >1% frequency in the population to be considered a polymorphism. Research indicates that truncating mutations in the TTN gene are expected to account for approximately 25% of familial and 18% of sporadic idiopathic DCM; however, truncating variants in the TTN gene have been reported in approximately 3% of reported control alleles. There has been little investigation into non-truncating variants. (Herman D et al. Truncations of titin causing dilated cardiomyopathy. N Eng J Med 366:619-628, 2012) The variant is found in DCM panel(s).

NM_001267550.2(TTN):c.70964T>C (p.Ile23655Thr)

Genes: TTN (titin; minus strand), TTN-AS1 (TTN antisense RNA 1; plus strand). Cytogenetic location: 2q31.2.
Variant type: single nucleotide variant.
Coding change: c.70964T>C on transcript NM_001267550.2 (MANE Select); coding-DNA position 70964, T replaced by C.
Protein change: p.Ile23655Thr; replaces isoleucine 23655 with threonine.
Molecular consequence: missense variant.
Genome position (GRCh38, 1-based): chr2:178,575,168, A>G on the plus strand (T>C on the coding strand, the complement: TTN is on the minus strand). VCF-style: chr2-178575168-A-G. GRCh37 (hg19) VCF-style: chr2-179439895-A-G.
Other names: p.I22014T:ATT>ACT; p.Ile22014Thr; c.66041T>C, p.Ile22014Thr (NM_001256850.1); c.43769T>C, p.Ile14590Thr (NM_003319.4); c.63260T>C, p.Ile21087Thr (NM_133378.4); c.44144T>C, p.Ile14715Thr (NM_133432.3); c.44345T>C, p.Ile14782Thr (NM_133437.4); short protein forms I22014T, I23655T, I14782T, I14590T, I14715T, I21087T.
Identifiers: ClinVar variation 202830 (VCV000202830.7), dbSNP rs794729488, ClinGen allele CA310418.